The following is an entry in ClinVar:

ClinVar aggregate classification (germline): Conflicting classifications of pathogenicity. Review status: criteria provided, conflicting classifications (1 of 4 stars). 4 submissions from 4 submitters: Pathogenic (1); Likely pathogenic (2); Uncertain significance (1). Last evaluated 2025-05-04.

Conditions:
Fetal akinesia deformation sequence 1 (FADS1). Also called: Pena-Shokeir syndrome type I; Fetal akinesia sequence. Identifiers: Orphanet 994, MedGen C1276035, MONDO:0100101, OMIM 208150, HP:0001989.
Congenital myasthenic syndrome 9. Also called: Myasthenic syndrome, congenital, 9, associated with acetylcholine receptor deficiency. Identifiers: Orphanet 590, MedGen C4225368, MONDO:0014587, OMIM 616325.

Allele frequency attached by ClinVar (database versions not stated): 1000 Genomes Project 30x 0.00016; gnomAD 0.00001 and 0.00002; TOPMed 0.00001; gnomAD exomes 0.00002; ExAC 0.00003; 1000 Genomes Project 0.00020.
gnomAD v4.1: 30 of 1,613,866 alleles (0.0019%); highest among the groups gnomAD compares: Admixed American, 0.01%; no homozygotes.

Submissions (4):

Labcorp Genetics (formerly Invitae), Labcorp
Classification: Pathogenic for Congenital myasthenic syndrome 9; Fetal akinesia deformation sequence 1. Last evaluated: 2025-05-04. Review status: criteria provided, single submitter. Criteria: Invitae Variant Classification Sherloc (09022015). Collection method: clinical testing. Allele origin: germline.
Comment: This sequence change replaces asparagine, which is neutral and polar, with serine, which is neutral and polar, at codon 103 of the MUSK protein (p.Asn103Ser). This variant is present in population databases (rs551423795, gnomAD 0.01%). This missense change has been observed in individual(s) with congenital myasthenic syndrome (PMID: 25900532, 32253145). In at least one individual the data is consistent with being in trans (on the opposite chromosome) from a pathogenic variant. It has also been observed to segregate with disease in related individuals. ClinVar contains an entry for this variant (Variation ID: 218372). Invitae Evidence Modeling of protein sequence and biophysical properties (such as structural, functional, and spatial information, amino acid conservation, physicochemical variation, residue mobility, and thermodynamic stability) indicates that this missense variant is expected to disrupt MUSK protein function with a positive predictive value of 95%. For these reasons, this variant has been classified as Pathogenic.

Revvity Omics, Revvity
Classification: Uncertain significance. Last evaluated: 2019-10-12. Review status: criteria provided, single submitter. Criteria: ACMG Guidelines, 2015. Collection method: clinical testing. Allele origin: germline.

Equipe Genetique des Anomalies du Developpement, Université de Bourgogne
Classification: Likely pathogenic for Fetal akinesia deformation sequence 1. Last evaluated: 2017-11-16. Review status: criteria provided, single submitter. Criteria: ACMG Guidelines, 2015. Collection method: clinical testing. Allele origin: unknown. Affected: yes. Study: Clinvar_gadteam_Clinical_exome_analysis_3.

Scripps Translational Science Institute, Scripps Health and The Scripps Research Institute
Classification: Likely pathogenic for Congenital myasthenic syndrome 9. Last evaluated: 2015-12-15. Review status: criteria provided, single submitter. Criteria: STSI_classification_crtieria_for_IDIOM. Collection method: research. Allele origin: maternal. Affected: yes. Observed: 1 variant allele. Study: IDIOM.

Literature cited by the submitters: PubMed 25900532 (cited by Labcorp Genetics (formerly Invitae), Labcorp); PubMed 32253145 (cited by Labcorp Genetics (formerly Invitae), Labcorp).

NM_005592.4(MUSK):c.308A>G (p.Asn103Ser)

Gene: MUSK (muscle associated receptor tyrosine kinase; plus strand). Cytogenetic location: 9q31.3.
Variant type: single nucleotide variant.
Coding change: c.308A>G on transcript NM_005592.4 (MANE Select); coding-DNA position 308, A replaced by G.
Protein change: p.Asn103Ser; replaces asparagine 103 with serine.
Molecular consequence: missense variant.
Genome position (GRCh38, 1-based): chr9:110,687,218, A>G. VCF-style: chr9-110687218-A-G. GRCh37 (hg19) VCF-style: chr9-113449498-A-G.
Other names: c.308A>G, p.Asn103Ser (NM_001166280.2, NM_001166281.2); c.308A>G (NM_005592.3); short protein forms N103S.
Identifiers: ClinVar variation 218372 (VCV000218372.10), dbSNP rs551423795, ClinGen allele CA339624.